The following is an entry in ClinVar:

ClinVar aggregate classification (germline): Uncertain significance (1 of 4 stars; one submission).

Conditions:
Hereditary spastic paraplegia 11. Also called: Nakamura Osame syndrome; Autosomal recessive hereditary spastic paraplegia, mental impairment, and thin corpus callosum; SPASTIC PARAPLEGIA, AUTOSOMAL RECESSIVE, COMPLICATED, WITH THIN CORPUS CALLOSUM; SPASTIC PARAPLEGIA, AUTOSOMAL RECESSIVE, WITH MENTAL IMPAIRMENT AND THIN CORPUS CALLOSUM; Spastic Paraplegia 11; Spastic paraplegia, mental retardation and thin corpus callosum. Identifiers: Orphanet 2822, MedGen C1858479, MONDO:0011445, OMIM 604360.

Allele frequency attached by ClinVar (database versions not stated): gnomAD exomes below 0.00001.

Submission:

Labcorp Genetics (formerly Invitae), Labcorp
Classification: Uncertain significance for Hereditary spastic paraplegia 11. Last evaluated: 2022-01-06. Review status: criteria provided, single submitter. Criteria: Invitae Variant Classification Sherloc (09022015). Collection method: clinical testing. Allele origin: germline.
Comment: This variant is present in population databases (no rsID available, gnomAD 0.0009%). This sequence change replaces glutamic acid, which is acidic and polar, with lysine, which is basic and polar, at codon 1678 of the SPG11 protein (p.Glu1678Lys). Algorithms developed to predict the effect of missense changes on protein structure and function are either unavailable or do not agree on the potential impact of this missense change (SIFT: "Deleterious"; PolyPhen-2: "Probably Damaging"; Align-GVGD: "Class C0"). This variant has not been reported in the literature in individuals affected with SPG11-related conditions. In summary, the available evidence is currently insufficient to determine the role of this variant in disease. Therefore, it has been classified as a Variant of Uncertain Significance.

NM_025137.4(SPG11):c.5032G>A (p.Glu1678Lys)

Gene: SPG11 (SPG11 vesicle trafficking associated, spatacsin; minus strand). Cytogenetic location: 15q21.1.
Variant type: single nucleotide variant.
Coding change: c.5032G>A on transcript NM_025137.4 (MANE Select); coding-DNA position 5032, G replaced by A.
Protein change: p.Glu1678Lys; replaces glutamic acid 1678 with lysine.
Molecular consequence: missense variant.
Genome position (GRCh38, 1-based): chr15:44,585,725, C>T on the plus strand (G>A on the coding strand, the complement: SPG11 is on the minus strand). VCF-style: chr15-44585725-C-T. GRCh37 (hg19) VCF-style: chr15-44877923-C-T.
Other names: c.5032G>A, p.Glu1678Lys (NM_001160227.2, NM_001411132.1); short protein forms E1678K.
Identifiers: ClinVar variation 2076440 (VCV002076440.4), dbSNP rs1277084672, ClinGen allele CA392223460.